The following is an entry in ClinVar:

ClinVar aggregate classification (germline): Uncertain significance (1 of 4 stars; one submission).

Submission:

Ambry Genetics
Classification: Uncertain significance. Last evaluated: 2025-03-15. Review status: criteria provided, single submitter. Criteria: Ambry Variant Classification Scheme 2023. Collection method: clinical testing. Allele origin: germline.
Comment: The p.T1505S variant (also known as c.4514C>G), located in coding exon 40 of the KIF1B gene, results from a C to G substitution at nucleotide position 4514. The threonine at codon 1505 is replaced by serine, an amino acid with similar properties. This amino acid position is conserved. In addition, this alteration is predicted to be tolerated by in silico analysis. Based on the available evidence, the clinical significance of this variant remains unclear.

NM_001365951.3(KIF1B):c.4652C>G (p.Thr1551Ser)

Gene: KIF1B (kinesin family member 1B; plus strand). Cytogenetic location: 1p36.22.
Variant type: single nucleotide variant.
Coding change: c.4652C>G on transcript NM_001365951.3 (MANE Select); coding-DNA position 4652, C replaced by G.
Protein change: p.Thr1551Ser; replaces threonine 1551 with serine.
Molecular consequence: missense variant.
Genome position (GRCh38, 1-based): chr1:10,365,548, C>G. VCF-style: chr1-10365548-C-G. GRCh37 (hg19) VCF-style: chr1-10425606-C-G.
Other names: c.4652C>G, p.Thr1551Ser (NM_001365952.1); c.4514C>G, p.Thr1505Ser (NM_015074.3); short protein forms T1505S, T1551S.
Identifiers: ClinVar variation 4043069 (VCV004043069.1).